The following is an entry in ClinVar:

ClinVar aggregate classification (germline): Pathogenic (1 of 4 stars; one submission).

Conditions:
Ehlers-Danlos syndrome, kyphoscoliotic type, 2. Also called: Ehlers-Danlos syndrome, kyphoscoliotic and deafness type; Ehlers-Danlos syndrome with progressive kyphoscoliosis, myopathy, and hearing loss; FKBP14-Kyphoscoliotic Ehlers-Danlos Syndrome. Identifiers: Orphanet 300179, MedGen C3281160, MONDO:0013800, OMIM 614557.

Submission:

Labcorp Genetics (formerly Invitae), Labcorp
Classification: Pathogenic for Ehlers-Danlos syndrome, kyphoscoliotic type, 2. Last evaluated: 2019-05-03. Review status: criteria provided, single submitter. Criteria: Invitae Variant Classification Sherloc (09022015). Collection method: clinical testing. Allele origin: germline.
Comment: For these reasons, this variant has been classified as Pathogenic. Loss-of-function variants in FKBP14 are known to be pathogenic (PMID: 22265013). This variant has not been reported in the literature in individuals with FKBP14-related disease. This variant is not present in population databases (ExAC no frequency). This sequence change creates a premature translational stop signal (p.Leu12Valfs*12) in the FKBP14 gene. It is expected to result in an absent or disrupted protein product.

Literature cited by the submitters: PubMed 22265013.

NM_017946.4(FKBP14):c.34_35del (p.Leu12fs)

Genes: FKBP14 (FKBP prolyl isomerase 14; minus strand), FKBP14-AS1 (FKBP14 antisense RNA 1; plus strand). Cytogenetic location: 7p14.3.
Variant type: Microsatellite.
Coding change: c.34_35del on transcript NM_017946.4 (MANE Select); coding-DNA positions 34 to 35, 2 bases deleted (CT; older notation c.34_35delCT).
Protein change: p.Leu12fs; shifts the reading frame from leucine 12.
Molecular consequence: frameshift variant. On other transcripts: non-coding transcript variant (2).
Genome position (GRCh38, 1-based): chr7:30,026,474-30,026,475, AG deleted on the plus strand (CT on the coding strand, the reverse complement: FKBP14 is on the minus strand); deleting any 2 consecutive bases within chr7:30,026,474-30,026,477 gives the same sequence; the c. name uses the placement nearest the transcript's 3' end. VCF-style (leftmost placement, unchanged base first): chr7-30026473-CAG-C. GRCh37 (hg19) VCF-style: chr7-30066089-CAG-C.
Other names: c.34_35delCT (NM_017946.3); short protein forms L12fs.
Identifiers: ClinVar variation 657045 (VCV000657045.9), dbSNP rs1583738732, ClinGen allele CA915944899.